The following is an entry in ClinVar:

NM_000312.4(PROC):c.678G>A (p.Gln226=)

Gene: PROC (protein C, inactivator of coagulation factors Va and VIIIa; plus strand). Cytogenetic location: 2q14.3.
Variant type: single nucleotide variant.
Coding change: c.678G>A on transcript NM_000312.4 (MANE Select); coding-DNA position 678, G replaced by A.
Protein change: p.Gln226=; no amino-acid change (glutamine 226 retained).
Molecular consequence: synonymous variant.
Genome position (GRCh38, 1-based): chr2:127,426,227, G>A. VCF-style: chr2-127426227-G-A. GRCh37 (hg19) VCF-style: chr2-128183803-G-A.
Other names: c.861G>A, p.Gln287= (NM_001375602.1); c.843G>A, p.Gln281= (NM_001375603.1); c.741G>A, p.Gln247= (NM_001375604.1); c.780G>A, p.Gln260= (NM_001375605.1); c.846G>A, p.Gln282= (NM_001375606.1); c.864G>A, p.Gln288= (NM_001375607.1); c.621G>A, p.Gln207= (NM_001375608.1); c.654G>A, p.Gln218= (NM_001375609.1); and 2 more.
Identifiers: ClinVar variation 948077 (VCV000948077.9), dbSNP rs121918155, ClinGen allele CA428618368.
Genomic context (GRCh38, chr2:127,426,227, plus strand): 5'-CCAAGTAGATCCGCGGCTCATTGATGGGAAGATGACCAGGCGGGGAGACAGCCCCTGGCA[G>A]GTGGGAGGCGAGGCAGCACCGGCTGCTCACGTGCTGGGTCCGGGATCACTGAGTCCATCC-3'
Protein context (NP_000303.1, residues 216-236): KMTRRGDSPW[Gln226=]VVLLDSKKKL

ClinVar aggregate classification (germline): Uncertain significance (1 of 4 stars; one submission).

Conditions:
Thrombophilia due to protein C deficiency, autosomal dominant. Also called: PROC DEFICIENCY, AUTOSOMAL DOMINANT; PROTEIN C DEFICIENCY, AUTOSOMAL DOMINANT. Identifiers: Orphanet 745, MedGen C2674321, MONDO:0008316, OMIM 176860. Disease mechanism: loss of function.

Allele frequency attached by ClinVar (database versions not stated): gnomAD exomes below 0.00001; TOPMed 0.00001.
gnomAD v4.1: 1 of 1,614,030 alleles (0.000062%); highest among the groups gnomAD compares: Non-Finnish European, 0.000085%; no homozygotes.

Submission:

Labcorp Genetics (formerly Invitae), Labcorp
Classification: Uncertain significance for Thrombophilia due to protein C deficiency, autosomal dominant. Last evaluated: 2022-09-23. Review status: criteria provided, single submitter. Criteria: Invitae Variant Classification Sherloc (09022015). Collection method: clinical testing. Allele origin: germline.
Comment: This variant has been observed in individual(s) with protein C deficiency (PMID: 7482420). In summary, the available evidence is currently insufficient to determine the role of this variant in disease. Therefore, it has been classified as a Variant of Uncertain Significance. Variants that disrupt the consensus splice site are a relatively common cause of aberrant splicing (PMID: 17576681, 9536098). Algorithms developed to predict the effect of sequence changes on RNA splicing suggest that this variant may disrupt the consensus splice site. ClinVar contains an entry for this variant (Variation ID: 948077). This variant is also known as 6265C>T (Q184Q). This variant is present in population databases (no rsID available, gnomAD 0.0009%). This sequence change affects codon 226 of the PROC mRNA. It is a 'silent' change, meaning that it does not change the encoded amino acid sequence of the PROC protein. This variant also falls at the last nucleotide of exon 7, which is part of the consensus splice site for this exon.

Literature cited by the submitters: PubMed 7482420; PubMed 17576681; PubMed 9536098.